The following is an entry in ClinVar:

NM_000069.3(CACNA1S):c.2965del (p.Glu989fs)

Gene: CACNA1S (calcium voltage-gated channel subunit alpha1 S; minus strand). Cytogenetic location: 1q32.1.
Variant type: Deletion.
Coding change: c.2965del on transcript NM_000069.3 (MANE Select); coding-DNA position 2965, one base deleted (G; older notation c.2965delG).
Protein change: p.Glu989fs; shifts the reading frame from glutamic acid 989.
Molecular consequence: frameshift variant.
Genome position (GRCh38, 1-based): chr1:201,062,032, C deleted on the plus strand (G on the coding strand, the reverse complement: CACNA1S is on the minus strand). VCF-style (leftmost placement, unchanged base first): chr1-201062031-TC-T. GRCh37 (hg19) VCF-style: chr1-201031159-TC-T.
Other names: short protein forms E989fs.
Identifiers: ClinVar variation 2935242 (VCV002935242.3), dbSNP rs2464501346, ClinGen allele CA2740090475.

ClinVar aggregate classification (germline): Pathogenic (1 of 4 stars; one submission).

Conditions:
Malignant hyperthermia, susceptibility to, 5 (MHS5). Also called: CACNA1S-Related Malignant Hyperthermia Susceptibility. Identifiers: Orphanet 423, MedGen C1866077, MONDO:0011163, OMIM 601887.
Hypokalemic periodic paralysis, type 1. Also called: HypoPP; Hypokalemic Periodic Paralysis Type 1 (AD). Identifiers: Orphanet 681, MedGen C3714580, MONDO:0042979, OMIM 170400.

Submission:

Labcorp Genetics (formerly Invitae), Labcorp
Classification: Pathogenic for Hypokalemic periodic paralysis, type 1; Malignant hyperthermia, susceptibility to, 5. Last evaluated: 2023-07-17. Review status: criteria provided, single submitter. Criteria: Invitae Variant Classification Sherloc (09022015). Collection method: clinical testing. Allele origin: germline.
Comment: For these reasons, this variant has been classified as Pathogenic. This variant has not been reported in the literature in individuals affected with CACNA1S-related conditions. This sequence change creates a premature translational stop signal (p.Glu989Serfs*16) in the CACNA1S gene. It is expected to result in an absent or disrupted protein product. Loss-of-function variants in CACNA1S are known to be pathogenic (PMID: 26247046, 28012042). This variant is not present in population databases (gnomAD no frequency).

Literature cited by the submitters: PubMed 26247046; PubMed 28012042.